The following is an entry in ClinVar:

ClinVar aggregate classification (germline): Uncertain significance (1 of 4 stars; one submission).

Conditions:
Hereditary cancer-predisposing syndrome. Also called: Neoplastic Syndromes, Hereditary; Tumor predisposition; Hereditary Cancer Syndrome; Hereditary neoplastic syndrome. Identifiers: Orphanet 140162, MedGen C0027672, MeSH D009386, MONDO:0015356.

Submission:

Ambry Genetics
Classification: Uncertain significance for Hereditary cancer-predisposing syndrome. Last evaluated: 2024-09-22. Review status: criteria provided, single submitter. Criteria: Ambry Variant Classification Scheme 2023. Collection method: clinical testing. Allele origin: germline.
Comment: The p.A68P variant (also known as c.202G>C), located in coding exon 3 of the POT1 gene, results from a G to C substitution at nucleotide position 202. The alanine at codon 68 is replaced by proline, an amino acid with highly similar properties. This amino acid position is conserved. In addition, this alteration is predicted to be tolerated by in silico analysis. Based on the available evidence, the clinical significance of this variant remains unclear.

NM_015450.3(POT1):c.202G>C (p.Ala68Pro)

Gene: POT1 (protection of telomeres 1; minus strand). Cytogenetic location: 7q31.33.
Variant type: single nucleotide variant.
Coding change: c.202G>C on transcript NM_015450.3 (MANE Select); coding-DNA position 202, G replaced by C.
Protein change: p.Ala68Pro; replaces alanine 68 with proline.
Molecular consequence: missense variant. On other transcripts: non-coding transcript variant (3), intron variant (1).
Genome position (GRCh38, 1-based): chr7:124,870,964, C>G on the plus strand (G>C on the coding strand, the complement: POT1 is on the minus strand). VCF-style: chr7-124870964-C-G. GRCh37 (hg19) VCF-style: chr7-124511018-C-G.
Other names: c.-138-7324G>C (NM_001042594.2); short protein forms A68P.
Identifiers: ClinVar variation 3423131 (VCV003423131.1).